The following is an entry in ClinVar:

NM_153365.3(TAPT1):c.1314-10C>G

Gene: TAPT1 (transmembrane anterior posterior transformation 1; minus strand). Cytogenetic location: 4p15.32.
Variant type: single nucleotide variant.
Coding change: c.1314-10C>G on transcript NM_153365.3 (MANE Select); 10 bases into the intron before coding-DNA position 1314, C replaced by G.
Molecular consequence: intron variant.
Genome position (GRCh38, 1-based): chr4:16,166,803, G>C on the plus strand (C>G on the coding strand, the complement: TAPT1 is on the minus strand). VCF-style: chr4-16166803-G-C. GRCh37 (hg19) VCF-style: chr4-16168426-G-C.
Identifiers: ClinVar variation 3032029 (VCV003032029.3), dbSNP rs369620715, ClinGen allele CA2867305.

ClinVar aggregate classification (germline): Likely benign. Review status: criteria provided, single submitter (1 of 4 stars). 2 submissions from 2 submitters: Likely benign (1). 1 of the submissions does not count toward it. Last evaluated 2025-06-19.

Conditions:
TAPT1-related disorder. Also called: TAPT1-related condition.

Allele frequency attached by ClinVar (database versions not stated): gnomAD 0.00001; gnomAD exomes 0.00001; TOPMed 0.00002; ESP Exome Variant Server 0.00008.
gnomAD v4.1: 21 of 1,612,216 alleles (0.0013%); highest among the groups gnomAD compares: Middle Eastern, 0.049%; no homozygotes.

Submissions (2):

Labcorp Genetics (formerly Invitae), Labcorp
Classification: Likely benign. Last evaluated: 2025-06-19. Review status: criteria provided, single submitter. Criteria: Invitae Variant Classification Sherloc (09022015). Collection method: clinical testing. Allele origin: germline.

PreventionGenetics, part of Exact Sciences
Classification: Likely benign for TAPT1-related condition. Last evaluated: 2023-12-14. Review status: no assertion criteria provided. Collection method: clinical testing. Allele origin: germline. Not counted in ClinVar's aggregate classification.
Comment: This variant is classified as likely benign based on ACMG/AMP sequence variant interpretation guidelines (Richards et al. 2015 PMID: 25741868, with internal and published modifications).